The following is an entry in ClinVar:

NM_024642.5(GALNT12):c.1024T>G (p.Phe342Val)

Gene: GALNT12 (polypeptide N-acetylgalactosaminyltransferase 12; plus strand). Cytogenetic location: 9q22.33.
Variant type: single nucleotide variant.
Coding change: c.1024T>G on transcript NM_024642.5 (MANE Select); coding-DNA position 1024, T replaced by G.
Protein change: p.Phe342Val; replaces phenylalanine 342 with valine.
Molecular consequence: missense variant.
Genome position (GRCh38, 1-based): chr9:98,835,355, T>G. VCF-style: chr9-98835355-T-G. GRCh37 (hg19) VCF-style: chr9-101597637-T-G.
Other names: short protein forms F342V.
Identifiers: ClinVar variation 822034 (VCV000822034.5), dbSNP rs1588452552, ClinGen allele CA374219548.

ClinVar aggregate classification (germline): Uncertain significance (1 of 4 stars; one submission).

Submission:

Ambry Genetics
Classification: Uncertain significance. Last evaluated: 2022-12-24. Review status: criteria provided, single submitter. Criteria: Ambry Variant Classification Scheme 2023. Collection method: clinical testing. Allele origin: germline.
Comment: The p.F342V variant (also known as c.1024T>G), located in coding exon 5 of the GALNT12 gene, results from a T to G substitution at nucleotide position 1024. The phenylalanine at codon 342 is replaced by valine, an amino acid with highly similar properties. This amino acid position is highly conserved in available vertebrate species. In addition, the in silico prediction for this alteration is inconclusive. Since supporting evidence is limited at this time, the clinical significance of this alteration remains unclear.